The following is an entry in ClinVar:

NM_000071.3(CBS):c.-8-258G>A

Gene: CBS (cystathionine beta-synthase; minus strand). Cytogenetic location: 21q22.3.
Variant type: single nucleotide variant.
Coding change: c.-8-258G>A on transcript NM_000071.3 (MANE Select); 258 bases into the intron before 8 bases upstream of the start codon, G replaced by A.
Molecular consequence: intron variant.
Genome position (GRCh38, 1-based): chr21:43,072,459, C>T on the plus strand (G>A on the coding strand, the complement: CBS is on the minus strand). VCF-style: chr21-43072459-C-T. GRCh37 (hg19) VCF-style: chr21-44492569-C-T.
Other names: c.-8-258G>A (NM_001320298.2, NM_001178009.3, NM_001178008.3).
Identifiers: ClinVar variation 669850 (VCV000669850.1), dbSNP rs9980464, ClinGen allele CA321104419.
Genomic context (GRCh38, chr21:43,072,459, plus strand): 5'-ATGGAAGCAGACAGTTGCTTGGGCCGGGTGCGGTGGCTCACGCCTCTCATCCCAGCACTT[C>T]GGGAGGCTGAGGCAGGAGGACCACTTGAGTCCACGAGGTCAAGACCAGCCTGGGCTCCAG-3'

ClinVar aggregate classification (germline): Benign (1 of 4 stars; one submission).

Allele frequency attached by ClinVar (database versions not stated): 1000 Genomes Project 0.03415; gnomAD 0.02673.

Submission:

GeneDx
Classification: Benign. Last evaluated: 2018-06-14. Review status: criteria provided, single submitter. Criteria: GeneDx Variant Classification (06012015). Collection method: clinical testing. Allele origin: germline. Affected: yes.
Comment: This variant is considered likely benign or benign based on one or more of the following criteria: it is a conservative change, it occurs at a poorly conserved position in the protein, it is predicted to be benign by multiple in silico algorithms, and/or has population frequency not consistent with disease.